The following is an entry in ClinVar:

ClinVar aggregate classification (germline): Uncertain significance. Review status: criteria provided, multiple submitters, no conflicts (2 of 4 stars). 2 submissions from 2 submitters: Uncertain significance (2). Last evaluated 2024-02-19.

Conditions:
Hypoparathyroidism, deafness, renal disease syndrome (HDRS). Also called: HYPOPARATHYROIDISM, SENSORINEURAL DEAFNESS, AND RENAL DYSPLASIA SYNDROME. Identifiers: Orphanet 2237, MedGen C1840333, MONDO:0007797, OMIM 146255.

Allele frequency attached by ClinVar (database versions not stated): gnomAD 0.00001; gnomAD exomes 0.00001; TOPMed 0.00001; ExAC 0.00003.
gnomAD v4.1: 16 of 1,591,590 alleles (0.001%); highest among the groups gnomAD compares: South Asian, 0.011%; no homozygotes.

Submissions (2):

Fulgent Genetics
Classification: Uncertain significance for Hypoparathyroidism, deafness, renal disease syndrome. Last evaluated: 2024-02-19. Review status: criteria provided, single submitter. Criteria: ACMG Guidelines, 2015. Collection method: clinical testing. Allele origin: germline.

Labcorp Genetics (formerly Invitae), Labcorp
Classification: Uncertain significance. Last evaluated: 2023-04-07. Review status: criteria provided, single submitter. Criteria: Invitae Variant Classification Sherloc (09022015). Collection method: clinical testing. Allele origin: germline.
Comment: This sequence change replaces glycine, which is neutral and non-polar, with serine, which is neutral and polar, at codon 55 of the GATA3 protein (p.Gly55Ser). The frequency data for this variant in the population databases is considered unreliable, as metrics indicate poor data quality at this position in the gnomAD database. This variant has not been reported in the literature in individuals affected with GATA3-related conditions. Advanced modeling of protein sequence and biophysical properties (such as structural, functional, and spatial information, amino acid conservation, physicochemical variation, residue mobility, and thermodynamic stability) performed at Invitae indicates that this missense variant is not expected to disrupt GATA3 protein function. In summary, the available evidence is currently insufficient to determine the role of this variant in disease. Therefore, it has been classified as a Variant of Uncertain Significance.

NM_001002295.2(GATA3):c.163G>A (p.Gly55Ser)

Gene: GATA3 (GATA binding protein 3; plus strand). Cytogenetic location: 10p14.
Variant type: single nucleotide variant.
Coding change: c.163G>A on transcript NM_001002295.2 (MANE Select); coding-DNA position 163, G replaced by A.
Protein change: p.Gly55Ser; replaces glycine 55 with serine.
Molecular consequence: missense variant.
Genome position (GRCh38, 1-based): chr10:8,055,818, G>A. VCF-style: chr10-8055818-G-A. GRCh37 (hg19) VCF-style: chr10-8097781-G-A.
Other names: c.163G>A, p.Gly55Ser (NM_002051.3); short protein forms G55S.
Identifiers: ClinVar variation 2997094 (VCV002997094.4), dbSNP rs763176056, ClinGen allele CA5404294.
Genomic context (GRCh38, chr10:8,055,818, plus strand): 5'-TACATGGACGCGGCGCAGTACCCGCTGCCGGAGGAGGTGGATGTGCTTTTTAACATCGAC[G>A]GTCAAGGCAACCACGTCCCGCCCTACTACGGAAACTCGGTCAGGGCCACGGTGCAGAGGT-3'
Protein context (NP_001002295.1, residues 45-65): EEVDVLFNID[Gly55Ser]QGNHVPPYYG